The following is an entry in ClinVar:

ClinVar aggregate classification (germline): Uncertain significance (1 of 4 stars; one submission).

Conditions:
Megaconial type congenital muscular dystrophy (MDCMC). Also called: MUSCULAR DYSTROPHY, CONGENITAL, WITH MITOCHONDRIAL STRUCTURAL ABNORMALITIES; CHKB-Related Muscular Dystrophy; CHKB-Related Muscle Diseases. Identifiers: Orphanet 280671, MedGen C1865233, MONDO:0011246, OMIM 602541.

Submission:

Labcorp Genetics (formerly Invitae), Labcorp
Classification: Uncertain significance for Megaconial type congenital muscular dystrophy. Last evaluated: 2022-06-27. Review status: criteria provided, single submitter. Criteria: Invitae Variant Classification Sherloc (09022015). Collection method: clinical testing. Allele origin: germline.
Comment: In summary, the available evidence is currently insufficient to determine the role of this variant in disease. Therefore, it has been classified as a Variant of Uncertain Significance. This variant has not been reported in the literature in individuals affected with CHKB-related conditions. A copy number gain of the genomic region encompassing the full coding sequence of the CHKB gene has been identified. The boundaries of this event are unknown as they extend beyond the assayed region for this gene and therefore may encompass additional genes. As the precise location of this event is unknown, it may be in tandem or it may be located elsewhere in the genome.

NC_000022.10:g.(?_51017600)_(51021220_?)dup

Gene: CHKB (choline kinase beta; minus strand). Cytogenetic location: 22q13.33.
Variant type: Duplication.
Identifiers: ClinVar variation 1042057 (VCV001042057.6).